The following is an entry in ClinVar:

NM_000059.4(BRCA2):c.8775G>A (p.Gln2925=)

Gene: BRCA2 (BRCA2 DNA repair associated; plus strand). Cytogenetic location: 13q13.1.
Variant type: single nucleotide variant.
Coding change: c.8775G>A on transcript NM_000059.4 (MANE Select); coding-DNA position 8775, G replaced by A.
Protein change: p.Gln2925=; no amino-acid change (glutamine 2925 retained).
Molecular consequence: synonymous variant.
Genome position (GRCh38, 1-based): chr13:32,379,337, G>A. VCF-style: chr13-32379337-G-A. GRCh37 (hg19) VCF-style: chr13-32953474-G-A.
Other names: c.8775G>A (NM_000059.3).
Identifiers: ClinVar variation 1123963 (VCV001123963.11), dbSNP rs80359136, ClinGen allele CA483261930.

ClinVar aggregate classification (germline): Likely benign. Review status: criteria provided, multiple submitters, no conflicts (2 of 4 stars). 3 submissions from 3 submitters: Likely benign (3). Last evaluated 2025-12-29.

Conditions:
Hereditary cancer-predisposing syndrome. Also called: Hereditary neoplastic syndrome; Neoplastic Syndromes, Hereditary; Tumor predisposition; Hereditary Cancer Syndrome. Identifiers: Orphanet 140162, MedGen C0027672, MeSH D009386, MONDO:0015356.
Hereditary breast ovarian cancer syndrome. Also called: Hereditary breast and ovarian cancer; Breast and ovarian cancer; Hereditary breast and ovarian cancer syndrome (HBOC); BRCA1- and BRCA2-Associated Hereditary Breast and Ovarian Cancer; Hereditary breast and/or ovarian cancer syndrome; Hereditary breast and ovarian cancer syndrome. Identifiers: Orphanet 145, MedGen C0677776, MeSH D061325, MONDO:0003582. Disease mechanism: loss of function.

Submissions (3):

Center for Genomic Medicine, Rigshospitalet, Copenhagen University Hospital
Classification: Likely benign. Last evaluated: 2025-12-29. Review status: criteria provided, single submitter. Criteria: ACMG Guidelines, 2015. Collection method: clinical testing. Allele origin: germline.
Comment: Classification criteria: BP7, BP4

Ambry Genetics
Classification: Likely benign for Hereditary cancer-predisposing syndrome. Last evaluated: 2025-06-24. Review status: criteria provided, single submitter. Criteria: Ambry Variant Classification Scheme 2023. Collection method: clinical testing. Allele origin: germline.

Labcorp Genetics (formerly Invitae), Labcorp
Classification: Likely benign for Hereditary breast ovarian cancer syndrome. Last evaluated: 2024-04-16. Review status: criteria provided, single submitter. Criteria: Invitae Variant Classification Sherloc (09022015). Collection method: clinical testing. Allele origin: germline.